The following is an entry in ClinVar:

NM_001371623.1(TCOF1):c.3905G>A (p.Gly1302Asp)

Gene: TCOF1 (treacle ribosome biogenesis factor 1; plus strand). Cytogenetic location: 5q32.
Variant type: single nucleotide variant.
Coding change: c.3905G>A on transcript NM_001371623.1 (MANE Select); coding-DNA position 3905, G replaced by A.
Protein change: p.Gly1302Asp; replaces glycine 1302 with aspartic acid.
Molecular consequence: missense variant.
Genome position (GRCh38, 1-based): chr5:150,396,402, G>A. VCF-style: chr5-150396402-G-A. GRCh37 (hg19) VCF-style: chr5-149775965-G-A.
Other names: c.3671G>A, p.Gly1224Asp (NM_000356.4); c.3902G>A, p.Gly1301Asp (NM_001135243.2); c.3791G>A, p.Gly1264Asp (NM_001135244.2); c.3674G>A, p.Gly1225Asp (NM_001135245.2); c.3788G>A, p.Gly1263Asp (NM_001195141.2); short protein forms G1224D, G1225D, G1263D, G1264D, G1301D, G1302D.
Identifiers: ClinVar variation 1302153 (VCV001302153.2), dbSNP rs1405165413, ClinGen allele CA361741595.

ClinVar aggregate classification (germline): Uncertain significance (1 of 4 stars; one submission).

Allele frequency attached by ClinVar (database versions not stated): gnomAD exomes below 0.00001; gnomAD 0.00001; TOPMed 0.00002.
gnomAD v4.1: 5 of 1,613,924 alleles (0.00031%); highest among the groups gnomAD compares: Non-Finnish European, 0.00042%; no homozygotes.

Submission:

GeneDx
Classification: Uncertain significance. Last evaluated: 2019-12-18. Review status: criteria provided, single submitter. Criteria: GeneDx Variant Classification Process June 2021. Collection method: clinical testing. Allele origin: germline. Affected: yes.
Comment: In silico analysis, which includes protein predictors and evolutionary conservation, supports that this variant does not alter protein structure/function; Has not been previously published as pathogenic or benign to our knowledge